The following is an entry in ClinVar:

NM_001042492.3(NF1):c.434_435del (p.Leu145fs)

Gene: NF1 (neurofibromin 1; plus strand). Cytogenetic location: 17q11.2.
Variant type: Microsatellite.
Coding change: c.434_435del on transcript NM_001042492.3 (MANE Select); coding-DNA positions 434 to 435, 2 bases deleted (TC; older notation c.434_435delTC).
Protein change: p.Leu145fs; shifts the reading frame from leucine 145.
Molecular consequence: frameshift variant.
Genome position (GRCh38, 1-based): chr17:31,163,331-31,163,332, TC deleted; deleting any 2 consecutive bases within chr17:31,163,327-31,163,332 gives the same sequence; the c. name uses the placement nearest the transcript's 3' end. VCF-style (leftmost placement, unchanged base first): chr17-31163326-TTC-T. GRCh37 (hg19) VCF-style: chr17-29490344-TTC-T.
Other names: c.430_431TC[2], p.Leu145Glnfs (NM_000267.4); c.434_435del, p.Leu145fs (NM_001128147.3); short protein forms L145fs.
Identifiers: ClinVar variation 1459335 (VCV001459335.8), dbSNP rs2143673063, ClinGen allele CA2580614040.

ClinVar aggregate classification (germline): Pathogenic (1 of 4 stars; one submission).

Conditions:
Neurofibromatosis, type 1 (NF1). Also called: Neurofibromatosis, type I; VON RECKLINGHAUSEN DISEASE; NEUROFIBROMATOSIS, TYPE I, SOMATIC; Peripheral type neurofibromatosis. Identifiers: Orphanet 636, MedGen C0027831, MONDO:0018975, OMIM 162200. Disease mechanism: loss of function.

Submission:

Labcorp Genetics (formerly Invitae), Labcorp
Classification: Pathogenic for Neurofibromatosis, type 1. Last evaluated: 2024-04-09. Review status: criteria provided, single submitter. Criteria: Invitae Variant Classification Sherloc (09022015). Collection method: clinical testing. Allele origin: germline.
Comment: This sequence change creates a premature translational stop signal (p.Leu145Glnfs*10) in the NF1 gene. It is expected to result in an absent or disrupted protein product. Loss-of-function variants in NF1 are known to be pathogenic (PMID: 10712197, 23913538). This variant is not present in population databases (gnomAD no frequency). This premature translational stop signal has been observed in individual(s) with clinical features of NF1-related conditions (PMID: 18546366). ClinVar contains an entry for this variant (Variation ID: 1459335). For these reasons, this variant has been classified as Pathogenic.

Literature cited by the submitters: PubMed 10712197; PubMed 23913538; PubMed 18546366.